The following is an entry in ClinVar:

NM_001385.3(DPYS):c.1217G>A (p.Trp406Ter)

Gene: DPYS (dihydropyrimidinase; minus strand). Cytogenetic location: 8q22.3.
Variant type: single nucleotide variant.
Coding change: c.1217G>A on transcript NM_001385.3 (MANE Select); coding-DNA position 1217, G replaced by A.
Protein change: p.Trp406Ter; replaces tryptophan 406 with a stop codon.
Molecular consequence: nonsense.
Genome position (GRCh38, 1-based): chr8:104,424,265, C>T on the plus strand (G>A on the coding strand, the complement: DPYS is on the minus strand). VCF-style: chr8-104424265-C-T. GRCh37 (hg19) VCF-style: chr8-105436493-C-T.
Other names: short protein forms W406*.
Identifiers: ClinVar variation 1453274 (VCV001453274.8), dbSNP rs770063251, ClinGen allele CA4838336.
Genomic context (GRCh38, chr8:104,424,265, plus strand): 5'-TTCTCCACAATGAAGCCAAGGAATACAAGAACTTAGACTTACCTTGTGCCTTTTGGGTCC[C>T]AAATAACAATGTCAGCATCTGATCCTACAGCTATTCTTCCTTTTCTTGGATAGAGATTAA-3'

ClinVar aggregate classification (germline): Pathogenic/Likely pathogenic. Review status: criteria provided, multiple submitters, no conflicts (2 of 4 stars). 3 submissions from 3 submitters: Pathogenic (2); Likely pathogenic (1). Last evaluated 2025-06-19.

Conditions:
Dihydropyrimidinase deficiency (DPYSD). Also called: dihydropyrimidinuria; DPH DEFICIENCY; DPYS DEFICIENCY. Identifiers: Orphanet 38874, MedGen C0342803, MONDO:0009111, OMIM 222748.
DPYS-related disorders.

Allele frequency attached by ClinVar (database versions not stated): ExAC 0.00002; gnomAD exomes 0.00004; gnomAD 0.00005; TOPMed 0.00005.
gnomAD v4.1: 65 of 1,613,976 alleles (0.004%); highest among the groups gnomAD compares: Non-Finnish European, 0.0054%; no homozygotes.

Submissions (3):

Labcorp Genetics (formerly Invitae), Labcorp
Classification: Pathogenic. Last evaluated: 2025-06-19. Review status: criteria provided, single submitter. Criteria: Invitae Variant Classification Sherloc (09022015). Collection method: clinical testing. Allele origin: germline.
Comment: This sequence change creates a premature translational stop signal (p.Trp406*) in the DPYS gene. It is expected to result in an absent or disrupted protein product. Loss-of-function variants in DPYS are known to be pathogenic (PMID: 20362666). This variant is present in population databases (rs770063251, gnomAD 0.01%). This variant has not been reported in the literature in individuals affected with DPYS-related conditions. ClinVar contains an entry for this variant (Variation ID: 1453274). For these reasons, this variant has been classified as Pathogenic.

Clinical Genomics Laboratory, Washington University in St. Louis
Classification: Pathogenic for Dihydropyrimidinase deficiency. Last evaluated: 2025-05-21. Review status: criteria provided, single submitter. Criteria: ACMG Guidelines, 2015. Collection method: clinical testing. Allele origin: germline. Affected: yes.
Comment: The DPYS c.1217G>A (p.Trp406*) variant has been reported in the heterozygous state in one individual affected with 5-fluorouracil toxicity (Kummer D et al., PMID: 26244261). This variant has been reported in the ClinVar database as a germline pathogenic variant by one submitter. This variant is only observed on 65/1,613,976 alleles in the general population (gnomAD v.4.1.0), indicating it is not a common variant. This variant causes a premature termination codon, which is predicted to lead to nonsense mediated decay. Additionally, other variants that introduce a premature stop codon in this region have been described in individuals with dihydropyrimidinase deficiency and are considered pathogenic (van Kuilenburg AB et al., PMID: 20362666). Based on available information and the ACMG/AMP guidelines for variant interpretation (Richards S et al., PMID: 25741868), this variant is classified as pathogenic.

Blueprint Genetics
Classification: Likely pathogenic for DPYS-related disorders. Last evaluated: 2021-02-13. Review status: criteria provided, single submitter. Criteria: ACMG Guidelines, 2015. Collection method: clinical testing. Allele origin: germline. Affected: yes. Observed: 4 variant alleles.

Literature cited by the submitters: PubMed 20362666 (cited by Labcorp Genetics (formerly Invitae), Labcorp).